The following is an entry in ClinVar:

NM_005546.4(ITK):c.1076A>G (p.Asp359Gly)

Gene: ITK (IL2 inducible T cell kinase; plus strand). Cytogenetic location: 5q33.3.
Variant type: single nucleotide variant.
Coding change: c.1076A>G on transcript NM_005546.4 (MANE Select); coding-DNA position 1076, A replaced by G.
Protein change: p.Asp359Gly; replaces aspartic acid 359 with glycine.
Molecular consequence: missense variant.
Genome position (GRCh38, 1-based): chr5:157,243,638, A>G. VCF-style: chr5-157243638-A-G. GRCh37 (hg19) VCF-style: chr5-156670648-A-G.
Other names: short protein forms D359G.
Identifiers: ClinVar variation 3658212 (VCV003658212.2).

ClinVar aggregate classification (germline): Uncertain significance (1 of 4 stars; one submission).

Conditions:
Lymphoproliferative syndrome 1 (LPFS1). Identifiers: Orphanet 238505, Orphanet 538963, MedGen C3552634, MONDO:0013081, OMIM 613011.

gnomAD v4.1: 2 of 1,612,134 alleles (0.00012%); highest among the groups gnomAD compares: Non-Finnish European, 0.00017%; no homozygotes.

Submission:

Labcorp Genetics (formerly Invitae), Labcorp
Classification: Uncertain significance for Lymphoproliferative syndrome 1. Last evaluated: 2024-06-29. Review status: criteria provided, single submitter. Criteria: Invitae Variant Classification Sherloc (09022015). Collection method: clinical testing. Allele origin: germline.
Comment: This sequence change replaces aspartic acid, which is acidic and polar, with glycine, which is neutral and non-polar, at codon 359 of the ITK protein (p.Asp359Gly). This variant is present in population databases (no rsID available, gnomAD 0.007%). This variant has not been reported in the literature in individuals affected with ITK-related conditions. Advanced modeling of protein sequence and biophysical properties (such as structural, functional, and spatial information, amino acid conservation, physicochemical variation, residue mobility, and thermodynamic stability) performed at Invitae indicates that this missense variant is expected to disrupt ITK protein function with a positive predictive value of 80%. In summary, the available evidence is currently insufficient to determine the role of this variant in disease. Therefore, it has been classified as a Variant of Uncertain Significance.